The following is an entry in ClinVar:

NM_001077418.3(TMEM231):c.898A>G (p.Ile300Val)

Gene: TMEM231 (transmembrane protein 231; minus strand). Cytogenetic location: 16q23.1.
Variant type: single nucleotide variant.
Coding change: c.898A>G on transcript NM_001077418.3 (MANE Select); coding-DNA position 898, A replaced by G.
Protein change: p.Ile300Val; replaces isoleucine 300 with valine.
Molecular consequence: missense variant. On other transcripts: non-coding transcript variant (1).
Genome position (GRCh38, 1-based): chr16:75,540,047, T>C on the plus strand (A>G on the coding strand, the complement: TMEM231 is on the minus strand). VCF-style: chr16-75540047-T-C. GRCh37 (hg19) VCF-style: chr16-75573945-T-C.
Other names: c.1057A>G, p.Ile353Val (NM_001077416.2); c.985A>G (NM_001077416.1); short protein forms I300V, I353V.
Identifiers: ClinVar variation 1435796 (VCV001435796.7), dbSNP rs768632156, ClinGen allele CA283885310.
Genomic context (GRCh38, chr16:75,540,047, plus strand): 5'-GGCCTTTCTAGGATAAGTGCTCCTTACACAAGTCTCCCCGGGGCGTCACTGTCACAGGAA[T>C]GGTGGTCACCACCTGATTCTGAAACACGAAGATCTTGATTCTTTCAAACACCCAGAGGAA-3'
Protein context (NP_001070886.1, residues 290-310): FVFQNQVVTT[Ile300Val]PVTVTPRGDL

ClinVar aggregate classification (germline): Uncertain significance. Review status: criteria provided, multiple submitters, no conflicts (2 of 4 stars). 4 submissions from 4 submitters: Uncertain significance (4). Last evaluated 2025-04-11.

Conditions:
Inborn genetic diseases. Identifiers: MedGen C0950123, MeSH D030342.
Joubert syndrome 20 (JBTS20). Identifiers: Orphanet 475, MedGen C3554235, MONDO:0013994, OMIM 614970.
Meckel syndrome, type 11 (MKS11). Identifiers: Orphanet 564, MedGen C3809352, MONDO:0014164, OMIM 615397.

Allele frequency attached by ClinVar (database versions not stated): gnomAD 0.00001; TOPMed 0.00001.
gnomAD v4.1: 10 of 1,613,630 alleles (0.00062%); highest among the groups gnomAD compares: Admixed American, 0.01%; no homozygotes.

Submissions (4):

Ambry Genetics
Classification: Uncertain significance for Inborn genetic diseases. Last evaluated: 2025-04-11. Review status: criteria provided, single submitter. Criteria: Ambry Variant Classification Scheme 2023. Collection method: clinical testing. Allele origin: germline.

Fulgent Genetics
Classification: Uncertain significance for Joubert syndrome 20; Meckel syndrome, type 11. Last evaluated: 2024-05-31. Review status: criteria provided, single submitter. Criteria: ACMG Guidelines, 2015. Collection method: clinical testing. Allele origin: germline.

Labcorp Genetics (formerly Invitae), Labcorp
Classification: Uncertain significance for Joubert syndrome 20; Meckel syndrome, type 11. Last evaluated: 2022-07-06. Review status: criteria provided, single submitter. Criteria: Invitae Variant Classification Sherloc (09022015). Collection method: clinical testing. Allele origin: germline.
Comment: ClinVar contains an entry for this variant (Variation ID: 1435796). This variant has not been reported in the literature in individuals affected with TMEM231-related conditions. This variant is present in population databases (rs768632156, gnomAD 0.01%). This sequence change replaces isoleucine, which is neutral and non-polar, with valine, which is neutral and non-polar, at codon 353 of the TMEM231 protein (p.Ile353Val). Algorithms developed to predict the effect of missense changes on protein structure and function output the following: SIFT: "Tolerated"; PolyPhen-2: "Not Available"; Align-GVGD: "Class C0". The valine amino acid residue is found in multiple mammalian species, which suggests that this missense change does not adversely affect protein function. In summary, the available evidence is currently insufficient to determine the role of this variant in disease. Therefore, it has been classified as a Variant of Uncertain Significance.

Breakthrough Genomics
Classification: Uncertain significance. Review status: criteria provided, single submitter. Criteria: ACMG Guidelines, 2015. Collection method: not provided. Allele origin: germline. Inheritance: Autosomal recessive inheritance. Affected: yes.